The following is an entry in ClinVar:

NM_000814.6(GABRB3):c.405del (p.Thr135_Val136insTer)

Gene: GABRB3 (gamma-aminobutyric acid type A receptor subunit beta3; minus strand). Cytogenetic location: 15q12.
Variant type: Deletion.
Coding change: c.405del on transcript NM_000814.6 (MANE Select); coding-DNA position 405, one base deleted (A; older notation c.405delA).
Protein change: p.Thr135_Val136insTer.
Molecular consequence: frameshift variant. On other transcripts: non-coding transcript variant (1).
Genome position (GRCh38, 1-based): chr15:26,621,370, T deleted on the plus strand (A on the coding strand, the reverse complement: GABRB3 is on the minus strand). VCF-style (leftmost placement, unchanged base first): chr15-26621369-CT-C. GRCh37 (hg19) VCF-style: chr15-26866516-CT-C.
Other names: c.150del, p.Thr50_Val51insTer (NM_001191320.2, NM_001278631.2); c.192del, p.Thr64_Val65insTer (NM_001191321.3); c.405del, p.Thr135_Val136insTer (NM_021912.5); c.405delA (NM_000814.5).
Identifiers: ClinVar variation 942245 (VCV000942245.9), dbSNP rs1892476410, ClinGen allele CA1139663791.

ClinVar aggregate classification (germline): Pathogenic. Review status: criteria provided, multiple submitters, no conflicts (2 of 4 stars). 3 submissions from 3 submitters: Pathogenic (3). Last evaluated 2026-03-15.

Conditions:
Epilepsy, childhood absence, susceptibility to, 5. Identifiers: Orphanet 64280, MedGen C2677087, MONDO:0012843, OMIM 612269.
Epilepsy, childhood absence, susceptibility to, 1. Also called: Epilepsy, childhood absence 1. Identifiers: Orphanet 64280, MedGen C1838604, MONDO:0020759, OMIM 600131.
Inborn genetic diseases. Identifiers: MedGen C0950123, MeSH D030342.

Submissions (3):

GeneDx
Classification: Pathogenic. Last evaluated: 2026-03-15. Review status: criteria provided, single submitter. Criteria: GeneDx Variant Classification Process June 2021. Collection method: clinical testing. Allele origin: germline.
Comment: Nonsense variant predicted to result in protein truncation or nonsense mediated decay in a gene for which loss-of-function is a known mechanism of disease; Not observed at significant frequency in large population cohorts (gnomAD); Has not been previously published as pathogenic or benign to our knowledge; This variant is associated with the following publications: (PMID: 28053010, 26950270)

Ambry Genetics
Classification: Pathogenic for Inborn genetic diseases. Last evaluated: 2025-03-19. Review status: criteria provided, single submitter. Criteria: Ambry Variant Classification Scheme 2023. Collection method: clinical testing. Allele origin: germline.
Comment: The c.405delA (p.V136*) alteration, located in coding exon 4 of the GABRB3 gene, consists of a deletion of one nucleotide at position 405. This changes the amino acid from a valine to a stop codon at amino acid position 136. This alteration is expected to result in loss of function by premature protein truncation or nonsense-mediated mRNA decay. This variant was not reported in population-based cohorts in the Genome Aggregation Database (gnomAD). Based on the available evidence, this alteration is classified as pathogenic.

Labcorp Genetics (formerly Invitae), Labcorp
Classification: Pathogenic for Epilepsy, childhood absence, susceptibility to, 5; Epilepsy, childhood absence, susceptibility to, 1. Last evaluated: 2022-08-09. Review status: criteria provided, single submitter. Criteria: Invitae Variant Classification Sherloc (09022015). Collection method: clinical testing. Allele origin: germline.
Comment: This sequence change creates a premature translational stop signal (p.Val136*) in the GABRB3 gene. It is expected to result in an absent or disrupted protein product. Loss-of-function variants in GABRB3 are known to be pathogenic (PMID: 26950270, 28053010). This variant is not present in population databases (gnomAD no frequency). This premature translational stop signal has been observed in individual(s) with GABRB3-related conditions (Invitae). ClinVar contains an entry for this variant (Variation ID: 942245). For these reasons, this variant has been classified as Pathogenic.

Literature cited by the submitters: PubMed 26950270 (cited by Labcorp Genetics (formerly Invitae), Labcorp); PubMed 28053010 (cited by Labcorp Genetics (formerly Invitae), Labcorp).